The following is an entry in ClinVar:

NM_000548.5(TSC2):c.2843G>C (p.Arg948Thr)

Gene: TSC2 (TSC complex subunit 2; plus strand). Cytogenetic location: 16p13.3.
Variant type: single nucleotide variant.
Coding change: c.2843G>C on transcript NM_000548.5 (MANE Select); coding-DNA position 2843, G replaced by C.
Protein change: p.Arg948Thr; replaces arginine 948 with threonine.
Molecular consequence: missense variant. On other transcripts: intron variant (9).
Genome position (GRCh38, 1-based): chr16:2,077,603, G>C. VCF-style: chr16-2077603-G-C. GRCh37 (hg19) VCF-style: chr16-2127604-G-C.
Other names: c.2696G>C, p.Arg899Thr (NM_001406675.1, NM_001406676.1); c.2243G>C, p.Arg748Thr (NM_001406680.1, NM_001406682.1, NM_001406683.1 and 1 more transcripts); c.1499G>C, p.Arg500Thr (NM_001406689.1); c.2837+1018G>C (NM_021055.3, NM_001370405.1, NM_001363528.2 and 2 more transcripts); c.2726+1018G>C (NM_001318827.2); c.2237+1018G>C (NM_001318831.2); c.2690+1018G>C (NM_001318829.2); c.2870+1018G>C (NM_001318832.2); and 2 more; short protein forms R948T, R748T, R899T, R500T, R911T.
Identifiers: ClinVar variation 1796744 (VCV001796744.2), dbSNP rs1555509449, ClinGen allele CA394280746.

ClinVar aggregate classification (germline): Uncertain significance (1 of 4 stars; one submission).

Conditions:
Hereditary cancer-predisposing syndrome. Also called: Tumor predisposition; Hereditary Cancer Syndrome; Neoplastic Syndromes, Hereditary; Hereditary neoplastic syndrome. Identifiers: Orphanet 140162, MedGen C0027672, MeSH D009386, MONDO:0015356.

Submission:

Ambry Genetics
Classification: Uncertain significance for Hereditary cancer-predisposing syndrome. Last evaluated: 2022-01-26. Review status: criteria provided, single submitter. Criteria: Ambry Variant Classification Scheme 2023. Collection method: clinical testing. Allele origin: germline.
Comment: The p.R948T variant (also known as c.2843G>C), located in coding exon 25 of the TSC2 gene, results from a G to C substitution at nucleotide position 2843. The arginine at codon 948 is replaced by threonine, an amino acid with similar properties. This amino acid position is conserved. In addition, this alteration is predicted to be deleterious by in silico analysis. Since supporting evidence is limited at this time, the clinical significance of this alteration remains unclear.